The following continues an entry in ClinVar:

NM_007294.4(BRCA1):c.5277+1del

Gene: BRCA1. ClinVar aggregate classification (germline): Pathogenic/Likely pathogenic. Pathogenic (8); Likely pathogenic (1).

Submissions 8 to 11 of 11:

HudsonAlpha Institute for Biotechnology
Classification: Pathogenic for Breast-ovarian cancer, familial, susceptibility to, 1. Last evaluated: 2019-07-22. Review status: criteria provided, single submitter. Criteria: ACMG Guidelines, 2015. Collection method: research. Allele origin: unknown. Observed: 2 variant alleles. Study: AGHI_GT.

Consortium of Investigators of Modifiers of BRCA1/2 (CIMBA), c/o University of Cambridge
Classification: Pathogenic for Breast-ovarian cancer, familial, susceptibility to, 1. Last evaluated: 2015-10-02. Review status: criteria provided, single submitter. Criteria: CIMBA Mutation Classification guidelines May 2016. Collection method: clinical testing. Allele origin: germline.

Sharing Clinical Reports Project (SCRP)
Classification: Pathogenic for Breast-ovarian cancer, familial 1. Last evaluated: 2010-11-16. Review status: no assertion criteria provided. Collection method: clinical testing. Allele origin: germline. Not counted in ClinVar's aggregate classification.

Breast Cancer Information Core (BIC) (BRCA1)
Classification: Pathogenic for Breast-ovarian cancer, familial 1. Last evaluated: 2003-12-23. Review status: no assertion criteria provided. Collection method: clinical testing. Allele origin: germline. Affected: yes. Observed: 1 variant allele. Not counted in ClinVar's aggregate classification.

Literature cited by the submitters: PubMed 11149413 (cited by Labcorp Genetics (formerly Invitae), Labcorp); PubMed 11802208 (cited by Labcorp Genetics (formerly Invitae), Labcorp); PubMed 11802209 (cited by Labcorp Genetics (formerly Invitae), Labcorp); PubMed 29446198 (cited by 5 submitters); PubMed 30720863 (cited by Labcorp Genetics (formerly Invitae), Labcorp); PubMed 24667779 (cited by Labcorp Genetics (formerly Invitae), Labcorp); PubMed 15353005 (cited by Labcorp Genetics (formerly Invitae), Labcorp); PubMed 16489001 (cited by Labcorp Genetics (formerly Invitae), Labcorp); PubMed 17453335 (cited by Labcorp Genetics (formerly Invitae), Labcorp); PubMed 17902052 (cited by Labcorp Genetics (formerly Invitae), Labcorp); PubMed 18465347 (cited by Labcorp Genetics (formerly Invitae), Labcorp); PubMed 21918854 (cited by Labcorp Genetics (formerly Invitae), Labcorp); PubMed 23113073 (cited by Labcorp Genetics (formerly Invitae), Labcorp); PubMed 23536787 (cited by Labcorp Genetics (formerly Invitae), Labcorp); PubMed 24010542 (cited by Labcorp Genetics (formerly Invitae), Labcorp); PubMed 16267036 (cited by Women's Health and Genetics/Laboratory Corporation of America, LabCorp and Quest Diagnostics Nichols Institute San Juan Capistrano); PubMed 22535016 (cited by 3 submitters); PubMed 26659639 (cited by Women's Health and Genetics/Laboratory Corporation of America, LabCorp); PubMed 28152038 (cited by Women's Health and Genetics/Laboratory Corporation of America, LabCorp and Quest Diagnostics Nichols Institute San Juan Capistrano); PubMed 33287145 (cited by Women's Health and Genetics/Laboratory Corporation of America, LabCorp); PubMed 35875314 (cited by Women's Health and Genetics/Laboratory Corporation of America, LabCorp and Color Diagnostics, LLC DBA Color Health); PubMed 23239986 (cited by Quest Diagnostics Nichols Institute San Juan Capistrano).